The following is an entry in ClinVar:

NM_001267727.2(ARSG):c.794G>A (p.Gly265Asp)

Gene: ARSG (arylsulfatase G; plus strand). Cytogenetic location: 17q24.2.
Variant type: single nucleotide variant.
Coding change: c.794G>A on transcript NM_001267727.2 (MANE Select); coding-DNA position 794, G replaced by A.
Protein change: p.Gly265Asp; replaces glycine 265 with aspartic acid.
Molecular consequence: missense variant.
Genome position (GRCh38, 1-based): chr17:68,368,637, G>A. VCF-style: chr17-68368637-G-A. GRCh37 (hg19) VCF-style: chr17-66364778-G-A.
Other names: c.794G>A, p.Gly265Asp (NM_001352899.2, NM_001352900.2, NM_001352901.2 and 3 more transcripts); c.791G>A, p.Gly264Asp (NM_001352903.2, NM_001352904.2, NM_001352905.2 and 2 more transcripts); c.746G>A, p.Gly249Asp (NM_001352909.2); short protein forms G264D, G249D, G265D.
Identifiers: ClinVar variation 1462224 (VCV001462224.8), dbSNP rs1318554024, ClinGen allele CA400745332.

ClinVar aggregate classification (germline): Uncertain significance (1 of 4 stars; one submission).

Allele frequency attached by ClinVar (database versions not stated): TOPMed below 0.00001; gnomAD 0.00001.
gnomAD v4.1: 2 of 1,614,130 alleles (0.00012%); highest among the groups gnomAD compares: East Asian, 0.0022%; no homozygotes.

Submission:

Labcorp Genetics (formerly Invitae), Labcorp
Classification: Uncertain significance. Last evaluated: 2022-01-18. Review status: criteria provided, single submitter. Criteria: Invitae Variant Classification Sherloc (09022015). Collection method: clinical testing. Allele origin: germline.
Comment: This sequence change replaces glycine, which is neutral and non-polar, with aspartic acid, which is acidic and polar, at codon 265 of the ARSG protein (p.Gly265Asp). This variant is not present in population databases (gnomAD no frequency). This variant has not been reported in the literature in individuals affected with ARSG-related conditions. Algorithms developed to predict the effect of missense changes on protein structure and function output the following: SIFT: "Tolerated"; PolyPhen-2: "Benign"; Align-GVGD: "Class C0". The aspartic acid amino acid residue is found in multiple mammalian species, which suggests that this missense change does not adversely affect protein function. In summary, the available evidence is currently insufficient to determine the role of this variant in disease. Therefore, it has been classified as a Variant of Uncertain Significance.